The following is an entry in ClinVar:

ClinVar aggregate classification (germline): Uncertain significance (1 of 4 stars; one submission).

Conditions:
Long QT syndrome (LQTS). Identifiers: MedGen C0023976, MeSH D008133, MONDO:0002442. Disease mechanism: loss of function. Inheritance: Various modes of inheritance.

Submission:

Labcorp Genetics (formerly Invitae), Labcorp
Classification: Uncertain significance for Long QT syndrome. Last evaluated: 2024-06-08. Review status: criteria provided, single submitter. Criteria: Invitae Variant Classification Sherloc (09022015). Collection method: clinical testing. Allele origin: germline.
Comment: This variant, c.5104_5106del, results in the deletion of 1 amino acid(s) of the ANK2 protein (p.Lys1702del), but otherwise preserves the integrity of the reading frame. This variant is not present in population databases (gnomAD no frequency). This variant has not been reported in the literature in individuals affected with ANK2-related conditions. Experimental studies and prediction algorithms are not available or were not evaluated, and the functional significance of this variant is currently unknown. In summary, the available evidence is currently insufficient to determine the role of this variant in disease. Therefore, it has been classified as a Variant of Uncertain Significance.

NM_001148.6(ANK2):c.5101AAG[1] (p.Lys1702del)

Gene: ANK2 (ankyrin 2; plus strand). Cytogenetic location: 4q26.
Variant type: Microsatellite.
Coding change: c.5101AAG[1] on transcript NM_001148.6 (MANE Select); one copy of the 3-base unit AAG starting at c.5101; the reference has two copies in a row; one copy, 3 bases deleted.
Protein change: p.Lys1702del; deletes lysine 1702.
Molecular consequence: intron variant (on NM_001386186.2).
Genome position (GRCh38, 1-based): chr4:113,353,722-113,353,724, AAG deleted; deleting any 3 consecutive bases within chr4:113,353,719-113,353,724 gives the same sequence; the position shown is the placement nearest the transcript's 3' end. VCF-style (leftmost placement, unchanged base first): chr4-113353718-AAAG-A. GRCh37 (hg19) VCF-style: chr4-114274874-AAAG-A.
Other names: c.4867AAG[1], p.Lys1624del (NM_001386142.1); c.1501AAG[1], p.Lys502del (NM_001386166.1); c.5242AAG[1], p.Lys1749del (NM_001386174.1); c.5218AAG[1], p.Lys1741del (NM_001386175.1); c.4411+3473_4411+3475del (NM_001386186.2, NM_001386148.2); c.4213+3473_4213+3475del (NM_001354269.3); c.4291+3473_4291+3475del (NM_001386187.2); c.4252+3473_4252+3475del (NM_001386147.1); and 35 more; short protein forms K1749del, K1624del, K1702del, K502del, K1741del.
Identifiers: ClinVar variation 3649653 (VCV003649653.2).
Genomic context (GRCh38, chr4:113,353,718, plus strand): 5'-AGACATACCCCCAGATGAGACACAGAGTACACAGAAACAGCACAAACCAAGCTTGGGAAT[AAAG>A]AAGCCAGTAAGAAGGAAATTAAAAGAAAAGCAGAAACAAAAAGAGGAAGGTTTACAAGCT-3'